The following is an entry in ClinVar:

ClinVar aggregate classification (germline): Uncertain significance (1 of 4 stars; one submission).

Conditions:
Tumor predisposition syndrome 3 (TPDS3). Also called: Glioma susceptibility 9; LONG TELOMERE SYNDROME, POT1-RELATED; POT1 Tumor Predisposition; Melanoma, cutaneous malignant, susceptibility to, 10. Identifiers: Orphanet 618, MedGen C4014476, MONDO:0014368, OMIM 615848.

Submission:

Labcorp Genetics (formerly Invitae), Labcorp
Classification: Uncertain significance for Tumor predisposition syndrome 3. Last evaluated: 2019-07-19. Review status: criteria provided, single submitter. Criteria: Invitae Variant Classification Sherloc (09022015). Collection method: clinical testing. Allele origin: germline.
Comment: This sequence change replaces glycine with valine at codon 274 of the POT1 protein (p.Gly274Val). The glycine residue is highly conserved and there is a moderate physicochemical difference between glycine and valine. In summary, the available evidence is currently insufficient to determine the role of this variant in disease. Therefore, it has been classified as a Variant of Uncertain Significance. Algorithms developed to predict the effect of sequence changes on RNA splicing suggest that this variant may create or strengthen a splice site, but this prediction has not been confirmed by published transcriptional studies. Algorithms developed to predict the effect of missense changes on protein structure and function (SIFT, PolyPhen-2, Align-GVGD) all suggest that this variant is likely to be disruptive, but these predictions have not been confirmed by published functional studies and their clinical significance is uncertain. This variant has not been reported in the literature in individuals with POT1-related conditions. This variant is not present in population databases (ExAC no frequency).

NM_015450.3(POT1):c.821G>T (p.Gly274Val)

Gene: POT1 (protection of telomeres 1; minus strand). Cytogenetic location: 7q31.33.
Variant type: single nucleotide variant.
Coding change: c.821G>T on transcript NM_015450.3 (MANE Select); coding-DNA position 821, G replaced by T.
Protein change: p.Gly274Val; replaces glycine 274 with valine.
Molecular consequence: missense variant. On other transcripts: non-coding transcript variant (3).
Genome position (GRCh38, 1-based): chr7:124,853,020, C>A on the plus strand (G>T on the coding strand, the complement: POT1 is on the minus strand). VCF-style: chr7-124853020-C-A. GRCh37 (hg19) VCF-style: chr7-124493074-C-A.
Other names: c.428G>T, p.Gly143Val (NM_001042594.2); short protein forms G143V, G274V.
Identifiers: ClinVar variation 947351 (VCV000947351.10), dbSNP rs1450862341, ClinGen allele CA369055332.